The following is an entry in ClinVar:

ClinVar aggregate classification (germline): Likely benign (1 of 4 stars; one submission).

Submission:

CeGaT Center for Human Genetics Tuebingen
Classification: Likely benign. Last evaluated: 2023-07-01. Review status: criteria provided, single submitter. Criteria: CeGaT Center For Human Genetics Tuebingen Variant Classification Criteria Version 2. Collection method: clinical testing. Allele origin: germline. Affected: yes. Observed: 1 variant allele.
Comment: EDC4: PM2:Supporting, BP4, BP7

NM_014329.5(EDC4):c.2655G>C (p.Val885=)

Gene: EDC4 (enhancer of mRNA decapping 4; plus strand). Cytogenetic location: 16q22.1.
Variant type: single nucleotide variant.
Coding change: c.2655G>C on transcript NM_014329.5 (MANE Select); coding-DNA position 2655, G replaced by C.
Protein change: p.Val885=; no amino-acid change (valine 885 retained).
Molecular consequence: synonymous variant.
Genome position (GRCh38, 1-based): chr16:67,881,283, G>C. VCF-style: chr16-67881283-G-C. GRCh37 (hg19) VCF-style: chr16-67915186-G-C.
Identifiers: ClinVar variation 2646642 (VCV002646642.24), dbSNP rs376988427, ClinGen allele CA496380189.